The following is an entry in ClinVar:

ClinVar aggregate classification (germline): Uncertain significance (1 of 4 stars; one submission).

Submission:

Labcorp Genetics (formerly Invitae), Labcorp
Classification: Uncertain significance. Last evaluated: 2025-06-15. Review status: criteria provided, single submitter. Criteria: Invitae Variant Classification Sherloc (09022015). Collection method: clinical testing. Allele origin: germline.
Comment: This sequence change replaces threonine, which is neutral and polar, with serine, which is neutral and polar, at codon 701 of the SI protein (p.Thr701Ser). This variant is not present in population databases (gnomAD no frequency). This variant has not been reported in the literature in individuals affected with SI-related conditions. Invitae Evidence Modeling of protein sequence and biophysical properties (such as structural, functional, and spatial information, amino acid conservation, physicochemical variation, residue mobility, and thermodynamic stability) has been performed for this missense variant. However, the output from this modeling did not meet the statistical confidence thresholds required to predict the impact of this variant on SI protein function. In summary, the available evidence is currently insufficient to determine the role of this variant in disease. Therefore, it has been classified as a Variant of Uncertain Significance.

NM_001041.4(SI):c.2102C>G (p.Thr701Ser)

Gene: SI (sucrase-isomaltase; minus strand). Cytogenetic location: 3q26.1.
Variant type: single nucleotide variant.
Coding change: c.2102C>G on transcript NM_001041.4 (MANE Select); coding-DNA position 2102, C replaced by G.
Protein change: p.Thr701Ser; replaces threonine 701 with serine.
Molecular consequence: missense variant.
Genome position (GRCh38, 1-based): chr3:165,040,997, G>C on the plus strand (C>G on the coding strand, the complement: SI is on the minus strand). VCF-style: chr3-165040997-G-C. GRCh37 (hg19) VCF-style: chr3-164758785-G-C.
Other names: short protein forms T701S.
Identifiers: ClinVar variation 4768288 (VCV004768288.1).